The following is an entry in ClinVar:

NM_133510.4(RAD51B):c.729del (p.Lys243fs)

Gene: RAD51B (RAD51 paralog B; plus strand). Cytogenetic location: 14q24.1.
Variant type: Deletion.
Coding change: c.729del on transcript NM_133510.4 (MANE Select); coding-DNA position 729, one base deleted (G; older notation c.729delG).
Protein change: p.Lys243fs; shifts the reading frame from lysine 243.
Molecular consequence: frameshift variant.
Genome position (GRCh38, 1-based): chr14:67,887,177, G deleted. VCF-style (leftmost placement, unchanged base first): chr14-67887176-AG-A. GRCh37 (hg19) VCF-style: chr14-68353893-AG-A.
Other names: c.729del, p.Lys243fs (NM_001321809.2, NM_001321810.2, NM_001321812.1 and 6 more transcripts); c.615del, p.Lys205fs (NM_001321815.1); c.372del, p.Lys124fs (NM_001321817.2); short protein forms K243fs, K124fs, K205fs.
Identifiers: ClinVar variation 4824256 (VCV004824256.1).

ClinVar aggregate classification (germline): Uncertain significance (1 of 4 stars; one submission).

Submission:

Ambry Genetics
Classification: Uncertain significance. Last evaluated: 2026-02-11. Review status: criteria provided, single submitter. Criteria: Ambry Variant Classification Scheme 2023. Collection method: clinical testing. Allele origin: germline.
Comment: The c.729delG variant, located in coding exon 6 of the RAD51B gene, results from a deletion of one nucleotide at nucleotide position 729, causing a translational frameshift with a predicted alternate stop codon (p.K243Nfs*13).The evidence for this gene-disease relationship is limited; therefore, the clinical significance of this variant is unclear.